The following is an entry in ClinVar:

NM_003630.3(PEX3):c.144C>A (p.Tyr48Ter)

Gene: PEX3 (peroxisomal biogenesis factor 3; plus strand). Cytogenetic location: 6q24.2.
Variant type: single nucleotide variant.
Coding change: c.144C>A on transcript NM_003630.3 (MANE Select); coding-DNA position 144, C replaced by A.
Protein change: p.Tyr48Ter; replaces tyrosine 48 with a stop codon.
Molecular consequence: nonsense.
Genome position (GRCh38, 1-based): chr6:143,459,155, C>A. VCF-style: chr6-143459155-C-A. GRCh37 (hg19) VCF-style: chr6-143780292-C-A.
Other names: short protein forms Y48*.
Identifiers: ClinVar variation 2627431 (VCV002627431.1), dbSNP rs150841396, ClinGen allele CA365905172.

ClinVar aggregate classification (germline): Likely pathogenic (1 of 4 stars; one submission).

Conditions:
Peroxisome biogenesis disorder 10A (Zellweger). Also called: Peroxisome biogenesis disorder 10A. Identifiers: Orphanet 912, MedGen C3553999, MONDO:0013948, OMIM 614882.

Submission:

Neuberg Centre For Genomic Medicine, NCGM
Classification: Likely pathogenic for Peroxisome biogenesis disorder 10A (Zellweger). Review status: criteria provided, single submitter. Criteria: ACMG Guidelines, 2015. Collection method: clinical testing. Allele origin: germline. Inheritance: Autosomal recessive inheritance. Affected: yes.
Comment: The stop gained p.Y48* in PEX3 (NM_003630.3) has not been reported previously as a pathogenic variant nor as a benign variant, to our knowledge. The p.Y48* variant is novel (not in any individuals) in gnomAD Exomes and is novel (not in any individuals) in 1000 Genomes. The p.Y48* variant is a loss of function variant in the gene PEX3, which is intolerant of Loss of Function variants, as indicated by the presence of existing pathogenic loss of function variant NP_003621.1:p.S98Rfs*43 and 3 others. This variant is predicted to cause loss of normal protein function through protein truncation. For these reasons, this variant has been classified as Likely Pathogenic.